The following is an entry in ClinVar:

GRCh38/hg38 21q22.3(chr21:45138321-46670405)x1

Genes: ADARB1 (adenosine deaminase RNA specific B1; plus strand), BNAT1 (breast cancer associated ESR1 regulating natural antisense transcript 1; minus strand), C21orf58 (chromosome 21 open reading frame 58; minus strand), COL18A1 (collagen type XVIII alpha 1 chain; plus strand), COL18A1-AS1 (COL18A1 antisense RNA 1; minus strand) and 86 more. Cytogenetic location: 21q22.3.
Variant type: copy number loss.
Change: copy number 1 (one copy instead of two) of chr21:45,138,321-46,670,405 (1.53 Mb, GRCh38 coordinates, 1-based), cytogenetic band 21q22.3.
Identifiers: ClinVar variation 59068 (VCV000059068.1).

ClinVar aggregate classification (germline): Pathogenic. Review status: criteria provided, multiple submitters, no conflicts (2 of 4 stars). 2 submissions from 2 submitters: Pathogenic (2). Last evaluated 2011-08-12.

Submissions (2):

ISCA site 17
Classification: Pathogenic. Last evaluated: 2011-08-12. Review status: criteria provided, single submitter. Criteria: Kaminsky et al. (Genet Med. 2011). Collection method: clinical testing. Allele origin: unknown. Affected: yes. Observed: 1 variant allele.
Comment: Copy number variation identified through the course of routine clinical cytogenomic testing in postnatal populations. Clinical assertions have been curated as described in Kaminsky et al. 2011.

ISCA site 4
Classification: Pathogenic. Last evaluated: 2011-08-12. Review status: criteria provided, single submitter. Criteria: Kaminsky et al. (Genet Med. 2011). Collection method: clinical testing. Allele origin: unknown. Affected: yes. Observed: 1 variant allele.
Comment: the same text as in the submission from ISCA site 17 above.